The following is an entry in ClinVar:

NM_002968.3(SALL1):c.2001C>T (p.Ser667=)

Gene: SALL1 (spalt like transcription factor 1; minus strand). Cytogenetic location: 16q12.1.
Variant type: single nucleotide variant.
Coding change: c.2001C>T on transcript NM_002968.3 (MANE Select); coding-DNA position 2001, C replaced by T.
Protein change: p.Ser667=; no amino-acid change (serine 667 retained).
Molecular consequence: synonymous variant.
Genome position (GRCh38, 1-based): chr16:51,140,221, G>A on the plus strand (C>T on the coding strand, the complement: SALL1 is on the minus strand). VCF-style: chr16-51140221-G-A. GRCh37 (hg19) VCF-style: chr16-51174132-G-A.
Other names: c.1710C>T, p.Ser570= (NM_001127892.2).
Identifiers: ClinVar variation 4533869 (VCV004533869.6).
Genomic context (GRCh38, chr16:51,140,221, plus strand): 5'-CTCTGATGCCTGAGCTGAGTCCAGGAGTCCCCCAAAAGGAAACTTGGCCTTGAACTGCTC[G>A]GACATGAGCGGCAACAAAGGGTTGGTGAAGGTGGTGGCACTGCCCGCGGGGCCGCAGTCT-3'
Protein context (NP_002959.2, residues 657-677): TFTNPLLPLM[Ser667=]EQFKAKFPFG

ClinVar aggregate classification (germline): Likely benign (1 of 4 stars; one submission).

Submission:

CeGaT Center for Human Genetics Tuebingen
Classification: Likely benign. Last evaluated: 2025-11-01. Review status: criteria provided, single submitter. Criteria: CeGaT Center For Human Genetics Tuebingen Variant Classification Criteria Version 2. Collection method: clinical testing. Allele origin: germline. Affected: yes. Observed: 1 variant allele.
Comment: SALL1: BP4, BP7